The following is an entry in ClinVar:

ClinVar aggregate classification (germline): Uncertain significance (1 of 4 stars; one submission).

Submission:

Labcorp Genetics (formerly Invitae), Labcorp
Classification: Uncertain significance. Last evaluated: 2024-04-13. Review status: criteria provided, single submitter. Criteria: Invitae Variant Classification Sherloc (09022015). Collection method: clinical testing. Allele origin: germline.
Comment: This sequence change replaces proline, which is neutral and non-polar, with leucine, which is neutral and non-polar, at codon 366 of the GATA5 protein (p.Pro366Leu). The frequency data for this variant in the population databases is considered unreliable, as metrics indicate poor data quality at this position in the gnomAD database. This variant has not been reported in the literature in individuals affected with GATA5-related conditions. An algorithm developed to predict the effect of missense changes on protein structure and function (PolyPhen-2) suggests that this variant is likely to be disruptive. In summary, the available evidence is currently insufficient to determine the role of this variant in disease. Therefore, it has been classified as a Variant of Uncertain Significance.

NM_080473.5(GATA5):c.1097C>T (p.Pro366Leu)

Gene: GATA5 (GATA binding protein 5; minus strand). Cytogenetic location: 20q13.33.
Variant type: single nucleotide variant.
Coding change: c.1097C>T on transcript NM_080473.5 (MANE Select); coding-DNA position 1097, C replaced by T.
Protein change: p.Pro366Leu; replaces proline 366 with leucine.
Molecular consequence: missense variant.
Genome position (GRCh38, 1-based): chr20:62,464,933, G>A on the plus strand (C>T on the coding strand, the complement: GATA5 is on the minus strand). VCF-style: chr20-62464933-G-A. GRCh37 (hg19) VCF-style: chr20-61039989-G-A.
Other names: short protein forms P366L.
Identifiers: ClinVar variation 3674127 (VCV003674127.2).